The following is an entry in ClinVar:

NM_000069.3(CACNA1S):c.521G>A (p.Arg174Gln)

Gene: CACNA1S (calcium voltage-gated channel subunit alpha1 S; minus strand). Cytogenetic location: 1q32.1.
Variant type: single nucleotide variant.
Coding change: c.521G>A on transcript NM_000069.3 (MANE Select); coding-DNA position 521, G replaced by A.
Protein change: p.Arg174Gln; replaces arginine 174 with glutamine.
Molecular consequence: missense variant.
Genome position (GRCh38, 1-based): chr1:201,091,992, C>T on the plus strand (G>A on the coding strand, the complement: CACNA1S is on the minus strand). VCF-style: chr1-201091992-C-T. GRCh37 (hg19) VCF-style: chr1-201061120-C-T.
Other names: c.521G>A (NM_000069.2); short protein forms R174Q.
Identifiers: ClinVar variation 4758834 (VCV004758834.2).

ClinVar aggregate classification (germline): Uncertain significance. Review status: criteria provided, multiple submitters, no conflicts (2 of 4 stars). 2 submissions from 2 submitters: Uncertain significance (2). Last evaluated 2026-03-27.

Conditions:
Malignant hyperthermia, susceptibility to, 5 (MHS5). Also called: CACNA1S-Related Malignant Hyperthermia Susceptibility. Identifiers: Orphanet 423, MedGen C1866077, MONDO:0011163, OMIM 601887.

gnomAD v4.1: 40 of 1,614,018 alleles (0.0025%); highest among the groups gnomAD compares: Non-Finnish European, 0.0032%; no homozygotes.

Submissions (2):

GeneDx
Classification: Uncertain significance. Last evaluated: 2026-03-27. Review status: criteria provided, single submitter. Criteria: GeneDx Variant Classification Process June 2021. Collection method: clinical testing. Allele origin: germline.
Comment: In silico analysis supports that this missense variant has a deleterious effect on protein structure/function; Has not been previously published as pathogenic or benign to our knowledge; This variant is associated with the following publications: (PMID: 19118277)

Color Diagnostics, LLC DBA Color Health
Classification: Uncertain significance for Malignant hyperthermia, susceptibility to, 5. Last evaluated: 2025-07-09. Review status: criteria provided, single submitter. Criteria: ACMG Guidelines, 2015. Collection method: clinical testing. Allele origin: germline.
Comment: This missense variant replaces arginine with glutamine at codon 174 of the CACNA1S protein. Computational prediction suggests that this variant may have deleterious impact on protein structure and function. To our knowledge, functional studies have not been reported for this variant. This variant has not been reported in individuals affected with CACNA1S-related disorders in the literature. This variant has been identified in 2/251378 chromosomes in the general population by the Genome Aggregation Database (gnomAD). A different missense variant occurring at the same codon, p.Arg174Trp, is known to cause disease (ClinVar variation ID: 575733), indicating that arginine at this position may be important for CACNA1S protein function. Due to the lack of data specific for the variant p.Arg174Gln, its role in malignant hyperthermia susceptibility cannot be determined conclusively. Therefore, this variant is classified as a Variant of Uncertain Significance.